The following is an entry in ClinVar:

ClinVar aggregate classification (germline): Uncertain significance (1 of 4 stars; one submission).

Conditions:
Inborn genetic diseases. Identifiers: MedGen C0950123, MeSH D030342.

Submission:

Ambry Genetics
Classification: Uncertain significance for Inborn genetic diseases. Last evaluated: 2026-01-25. Review status: criteria provided, single submitter. Criteria: Ambry Variant Classification Scheme 2023. Collection method: clinical testing. Allele origin: germline.
Comment: The p.I310L variant (also known as c.928A>C), located in coding exon 1 of the SAMD9 gene, results from an A to C substitution at nucleotide position 928. The isoleucine at codon 310 is replaced by leucine, an amino acid with highly similar properties. This amino acid position is conserved. In addition, this alteration is predicted to be tolerated by in silico analysis. Based on the available evidence, the clinical significance of this variant remains unclear.

NM_017654.4(SAMD9):c.928A>C (p.Ile310Leu)

Gene: SAMD9 (sterile alpha motif domain containing 9; minus strand). Cytogenetic location: 7q21.2.
Variant type: single nucleotide variant.
Coding change: c.928A>C on transcript NM_017654.4 (MANE Select); coding-DNA position 928, A replaced by C.
Protein change: p.Ile310Leu; replaces isoleucine 310 with leucine.
Molecular consequence: missense variant.
Genome position (GRCh38, 1-based): chr7:93,105,170, T>G on the plus strand (A>C on the coding strand, the complement: SAMD9 is on the minus strand). VCF-style: chr7-93105170-T-G. GRCh37 (hg19) VCF-style: chr7-92734483-T-G.
Other names: c.928A>C, p.Ile310Leu (NM_001193307.2); short protein forms I310L.
Identifiers: ClinVar variation 4824686 (VCV004824686.1).